The following is an entry in ClinVar:

NM_000553.6(WRN):c.3954T>A (p.Asp1318Glu)

Gene: WRN (WRN RecQ like helicase; plus strand). Cytogenetic location: 8p12.
Variant type: single nucleotide variant.
Coding change: c.3954T>A on transcript NM_000553.6 (MANE Select); coding-DNA position 3954, T replaced by A.
Protein change: p.Asp1318Glu; replaces aspartic acid 1318 with glutamic acid.
Molecular consequence: missense variant.
Genome position (GRCh38, 1-based): chr8:31,157,502, T>A. VCF-style: chr8-31157502-T-A. GRCh37 (hg19) VCF-style: chr8-31015018-T-A.
Other names: short protein forms D1318E.
Identifiers: ClinVar variation 2780129 (VCV002780129.3), dbSNP rs971755885, ClinGen allele CA370929610.

ClinVar aggregate classification (germline): Uncertain significance (1 of 4 stars; one submission).

Conditions:
Werner syndrome (WRN). Identifiers: Orphanet 902, MedGen C0043119, MONDO:0010196, OMIM 277700.

gnomAD v4.1: 1 of 1,614,148 alleles (0.000062%); highest among the groups gnomAD compares: Middle Eastern, 0.016%; no homozygotes.

Submission:

Labcorp Genetics (formerly Invitae), Labcorp
Classification: Uncertain significance for Werner syndrome. Last evaluated: 2022-11-30. Review status: criteria provided, single submitter. Criteria: Invitae Variant Classification Sherloc (09022015). Collection method: clinical testing. Allele origin: germline.
Comment: This variant has not been reported in the literature in individuals affected with WRN-related conditions. In summary, the available evidence is currently insufficient to determine the role of this variant in disease. Therefore, it has been classified as a Variant of Uncertain Significance. Algorithms developed to predict the effect of missense changes on protein structure and function are either unavailable or do not agree on the potential impact of this missense change (SIFT: "Not Available"; PolyPhen-2: "Possibly Damaging"; Align-GVGD: "Not Available"). This variant is not present in population databases (gnomAD no frequency). This sequence change replaces aspartic acid, which is acidic and polar, with glutamic acid, which is acidic and polar, at codon 1318 of the WRN protein (p.Asp1318Glu).